The following is an entry in ClinVar:

ClinVar aggregate classification (germline): Pathogenic (1 of 4 stars; one submission).

Conditions:
Hereditary breast ovarian cancer syndrome. Also called: Hereditary breast and ovarian cancer syndrome; Hereditary breast and/or ovarian cancer syndrome; Hereditary breast and ovarian cancer syndrome (HBOC); Breast and ovarian cancer; BRCA1- and BRCA2-Associated Hereditary Breast and Ovarian Cancer; Hereditary breast and ovarian cancer. Identifiers: Orphanet 145, MedGen C0677776, MeSH D061325, MONDO:0003582. Disease mechanism: loss of function.

Submission:

Labcorp Genetics (formerly Invitae), Labcorp
Classification: Pathogenic for Hereditary breast ovarian cancer syndrome. Last evaluated: 2022-10-29. Review status: criteria provided, single submitter. Criteria: Invitae Variant Classification Sherloc (09022015). Collection method: clinical testing. Allele origin: germline.
Comment: This variant results in a copy number gain of the genomic region encompassing exon(s) 12 of the BRCA1 gene. While the exact position of this variant cannot be determined from the data, sub-genic copy number gains are generally in tandem (PMID: 25640679). This variant is predicted to be out-of-frame, and may result in an absent or disrupted protein product. Loss-of-function variants in BRCA1 are known to be pathogenic (PMID: 20104584). A similar copy number variant has been observed in individuals with hereditary breast and ovarian cancer (PMID: 9915971, 10827109, 12698193, 15951973, 20232141, 20616022). This variant is also known as a duplication of exon 13. For these reasons, this variant has been classified as Pathogenic.

Literature cited by the submitters: PubMed 25640679; PubMed 20104584; PubMed 9915971; PubMed 10827109; PubMed 12698193; PubMed 15951973; PubMed 20232141; PubMed 20616022.

NC_000017.10:g.(?_41234401)_(41234612_?)dup

Gene: BRCA1 (BRCA1 DNA repair associated; minus strand). Cytogenetic location: 17q21.31.
Variant type: Duplication.
Identifiers: ClinVar variation 583774 (VCV000583774.4).